The following is an entry in ClinVar:

NM_000440.3(PDE6A):c.1408-11G>A

Gene: PDE6A (phosphodiesterase 6A; minus strand). Cytogenetic location: 5q32.
Variant type: single nucleotide variant.
Coding change: c.1408-11G>A on transcript NM_000440.3 (MANE Select); 11 bases into the intron before coding-DNA position 1408, G replaced by A.
Molecular consequence: intron variant.
Genome position (GRCh38, 1-based): chr5:149,896,787, C>T on the plus strand (G>A on the coding strand, the complement: PDE6A is on the minus strand). VCF-style: chr5-149896787-C-T. GRCh37 (hg19) VCF-style: chr5-149276350-C-T.
Identifiers: ClinVar variation 351989 (VCV000351989.17), dbSNP rs201527437, ClinGen allele CA3504691.
Genomic context (GRCh38, chr5:149,896,787, plus strand): 5'-TCCTCTTCCTCACACTCCCATGGCTCCTTCCCATACACCTCTCTGGTTTTCTGCCAGGAC[C>T]CAAAATGGCAGGGGAAAAAAAATAGGTTACAACATGCCTCCGCGTTTCCATTCCCATTTA-3'

ClinVar aggregate classification (germline): Conflicting classifications of pathogenicity. Review status: criteria provided, conflicting classifications (1 of 4 stars). 6 submissions from 6 submitters: Uncertain significance (3); Benign (1); Likely benign (1). 1 of the submissions does not count toward it. Last evaluated 2026-01-22.

Conditions:
Retinitis pigmentosa (RP). Identifiers: Orphanet 791, MedGen C0035334, MeSH D012174, MONDO:0019200, OMIM 268000. Inheritance: Autosomal dominant, autosomal recessive and X linked inheritance.
PDE6A-related disorder. Also called: PDE6A-related condition.
PDE6A-related retinopathy. Identifiers: MedGen CN375901, MONDO:0700224.
Retinal dystrophy. Also called: Inherited retinal dystrophy. Identifiers: Orphanet 71862, MedGen C0854723, MeSH D058499, MONDO:0019118, HP:0000556.

Allele frequency attached by ClinVar (database versions not stated): 1000 Genomes Project 30x 0.00016; 1000 Genomes Project 0.00020; ESP Exome Variant Server 0.00038; gnomAD exomes 0.00043 and 0.00044; ExAC 0.00046; TOPMed 0.00048; gnomAD 0.00056 and 0.00059.
gnomAD v4.1: 713 of 1,614,024 alleles (0.044%); highest among the groups gnomAD compares: Non-Finnish European, 0.056%; 3 homozygotes.

Submissions (6):

PreventionGenetics, part of Exact Sciences
Classification: Uncertain significance for PDE6A-related condition. Last evaluated: 2026-01-22. Review status: criteria provided, single submitter. Criteria: ACMG Guidelines, 2015. Collection method: clinical testing. Allele origin: germline.
Comment: The PDE6A c.1408-11G>A variant is predicted to interfere with splicing. To our knowledge, this variant has not been reported in the literature. This variant is reported in 0.087% of alleles in individuals of European (Non-Finnish) descent in gnomAD. This variant is predicted to alter splicing based on available splicing prediction programs (SpliceAI, Jaganathan et al. 2019. PubMed ID: 30661751. However, the use of computer prediction programs is not equivalent to functional evidence. Although we suspect that this variant may be benign, at this time, the clinical significance of this variant is uncertain due to the absence of conclusive functional and genetic evidence.

Labcorp Genetics (formerly Invitae), Labcorp
Classification: Benign. Last evaluated: 2026-01-20. Review status: criteria provided, single submitter. Criteria: Invitae Variant Classification Sherloc (09022015). Collection method: clinical testing. Allele origin: germline.

Blueprint Genetics
Classification: Likely benign. Last evaluated: 2024-11-25. Review status: criteria provided, single submitter. Criteria: ACMG Guidelines, 2015. Collection method: clinical testing. Allele origin: germline.

Department of Pathology and Laboratory Medicine, Sinai Health System
Classification: Uncertain significance for PDE6A-related retinopathy. Last evaluated: 2022-06-27. Review status: criteria provided, single submitter. Criteria: ACMG Guidelines, 2015. Collection method: research. Allele origin: germline.

Illumina Laboratory Services, Illumina
Classification: Uncertain significance for Retinitis pigmentosa. Last evaluated: 2018-01-12. Review status: criteria provided, single submitter. Criteria: ICSL Variant Classification Criteria 13 December 2019. Collection method: clinical testing. Allele origin: germline.

Institute of Human Genetics, Univ. Regensburg, Univ. Regensburg
Classification: Likely benign for Retinal dystrophy. Last evaluated: 2019-01-01. Review status: no assertion criteria provided. Criteria: ACMG Guidelines, 2015. Collection method: clinical testing. Allele origin: germline. Affected: yes. Not counted in ClinVar's aggregate classification.